The following is an entry in ClinVar:

ClinVar aggregate classification (germline): Likely benign (0 of 4 stars; one submission).

Conditions:
CTNNA2-related disorder. Also called: CTNNA2-related condition.

Allele frequency attached by ClinVar (database versions not stated): gnomAD exomes 0.00004; ExAC 0.00019; gnomAD 0.00038; 1000 Genomes Project 30x 0.00047; TOPMed 0.00047; 1000 Genomes Project 0.00060; ESP Exome Variant Server 0.00105.
gnomAD v4.1: 110 of 1,611,452 alleles (0.0068%); highest among the groups gnomAD compares: African/African-American, 0.13%; no homozygotes.

Submission:

PreventionGenetics, part of Exact Sciences
Classification: Likely benign for CTNNA2-related condition. Last evaluated: 2024-02-02. Review status: no assertion criteria provided. Collection method: clinical testing. Allele origin: germline.
Comment: This variant is classified as likely benign based on ACMG/AMP sequence variant interpretation guidelines (Richards et al. 2015 PMID: 25741868, with internal and published modifications).

NM_001282597.3(CTNNA2):c.1914T>C (p.Asp638=)

Gene: CTNNA2 (catenin alpha 2; plus strand). Cytogenetic location: 2p12.
Variant type: single nucleotide variant.
Coding change: c.1914T>C on transcript NM_001282597.3 (MANE Select); coding-DNA position 1914, T replaced by C.
Protein change: p.Asp638=; no amino-acid change (aspartic acid 638 retained).
Molecular consequence: synonymous variant.
Genome position (GRCh38, 1-based): chr2:80,581,726, T>C. VCF-style: chr2-80581726-T-C. GRCh37 (hg19) VCF-style: chr2-80808851-T-C.
Other names: c.1914T>C, p.Asp638= (NM_001164883.2, NM_001399737.1, NM_004389.4); c.2016T>C, p.Asp672= (NM_001282598.2); c.951T>C, p.Asp317= (NM_001282599.2); c.810T>C, p.Asp270= (NM_001282600.2, NM_001320810.2).
Identifiers: ClinVar variation 3048869 (VCV003048869.2), dbSNP rs200688682, ClinGen allele CA1735792.